The following is an entry in ClinVar:

NM_006908.5(RAC1):c.77A>G (p.Asn26Ser)

Gene: RAC1 (Rac family small GTPase 1; plus strand). Cytogenetic location: 7p22.1.
Variant type: single nucleotide variant.
Coding change: c.77A>G on transcript NM_006908.5 (MANE Select); coding-DNA position 77, A replaced by G.
Protein change: p.Asn26Ser; replaces asparagine 26 with serine.
Molecular consequence: missense variant.
Genome position (GRCh38, 1-based): chr7:6,387,253, A>G. VCF-style: chr7-6387253-A-G. GRCh37 (hg19) VCF-style: chr7-6426884-A-G.
Other names: c.77A>G, p.Asn26Ser (NM_018890.4); short protein forms N26S.
Identifiers: ClinVar variation 986286 (VCV000986286.8), dbSNP rs1782949423, ClinGen allele CA366760056.
Genomic context (GRCh38, chr7:6,387,253, plus strand): 5'-TTTTTCTCTTTCTCTTTAGAGCTGTAGGTAAAACTTGCCTACTGATCAGTTACACAACCA[A>G]TGCATTTCCTGGAGAATATATCCCTACTGTGTAAGTATCTTAAATTGGGAATTAACCTGT-3'
Protein context (NP_008839.2, residues 16-36): KTCLLISYTT[Asn26Ser]AFPGEYIPTV

ClinVar aggregate classification (germline): Pathogenic. Review status: criteria provided, multiple submitters, no conflicts (2 of 4 stars). 2 submissions from 2 submitters: Pathogenic (2). Last evaluated 2026-02-11.

Conditions:
Inborn genetic diseases. Identifiers: MedGen C0950123, MeSH D030342.

Allele frequency attached by ClinVar (database versions not stated): gnomAD exomes below 0.00001.
gnomAD v4.1: 1 of 1,569,798 alleles (0.000064%); highest among the groups gnomAD compares: Non-Finnish European, 0.000086%; no homozygotes.

Submissions (2):

Ambry Genetics
Classification: Pathogenic for Inborn genetic diseases. Last evaluated: 2026-02-11. Review status: criteria provided, single submitter. Criteria: Ambry Variant Classification Scheme 2023. Collection method: clinical testing. Allele origin: germline.
Comment: The c.77A>G (p.N26S) alteration is located in exon 2 (coding exon 2) of the RAC1 gene. This alteration results from an A to G substitution at nucleotide position 77, causing the asparagine (N) at amino acid position 26 to be replaced by a serine (S). This variant was not reported in population-based cohorts in the Genome Aggregation Database (gnomAD). This variant was reported in individual(s) with features consistent with RAC1-related neurodevelopmental disorder; in at least one individual, it was determined to be de novo (external communication). This amino acid position is highly conserved in available vertebrate species. Based on internal structural analysis, this variant is anticipated to disrupt a region of known function (Benard, 1999; Werner, 2004; Gentile, 2006; Acevedo, 2018). This alteration is predicted to be tolerated by in silico analysis. Based on the available evidence, this alteration is classified as pathogenic.

GeneDx
Classification: Pathogenic. Last evaluated: 2025-03-31. Review status: criteria provided, single submitter. Criteria: GeneDx Variant Classification Process June 2021. Collection method: clinical testing. Allele origin: germline. Affected: yes.
Comment: Not observed at significant frequency in large population cohorts (gnomAD); In silico analysis supports that this missense variant has a deleterious effect on protein structure/function; Has not been previously published as pathogenic or benign to our knowledge

Literature cited by the submitters: PubMed 10462759 (cited by Ambry Genetics); PubMed 14676270 (cited by Ambry Genetics); PubMed 16549782 (cited by Ambry Genetics); PubMed 29330095 (cited by Ambry Genetics).